The following is an entry in ClinVar:

NM_033183.3(CGB8):c.360C>T (p.Cys120=)

Gene: CGB8 (chorionic gonadotropin subunit beta 8; minus strand). Cytogenetic location: 19q13.33.
Variant type: single nucleotide variant.
Coding change: c.360C>T on transcript NM_033183.3 (MANE Select); coding-DNA position 360, C replaced by T.
Protein change: p.Cys120=; no amino-acid change (cysteine 120 retained).
Molecular consequence: synonymous variant.
Genome position (GRCh38, 1-based): chr19:49,047,793, G>A on the plus strand (C>T on the coding strand, the complement: CGB8 is on the minus strand). VCF-style: chr19-49047793-G-A. GRCh37 (hg19) VCF-style: chr19-49551050-G-A.
Identifiers: ClinVar variation 4872492 (VCV004872492.2).
Genomic context (GRCh38, chr19:49,047,793, plus strand): 5'-GGAAGAGGAGTCCTGGAAGCGGGGGTCATCACAGGTCAAGGGGTGGTCCTTGGGACCCCC[G>A]CAGTCAGTGGTGCTGCGGCGGCAGAGTGCACATTGACAGCTGAGAGCCACGGCGTAGGAG-3'
Protein context (NP_149439.1, residues 110-130): CALCRRSTTD[Cys120=]GGPKDHPLTC

ClinVar aggregate classification (germline): Likely benign (1 of 4 stars; one submission).

Submission:

CeGaT Center for Human Genetics Tuebingen
Classification: Likely benign. Last evaluated: 2026-05-01. Review status: criteria provided, single submitter. Criteria: CeGaT Center For Human Genetics Tuebingen Variant Classification Criteria Version 2. Collection method: clinical testing. Allele origin: germline. Affected: yes. Observed: 1 variant allele.
Comment: CGB8: BP4, BP7